The following is an entry in ClinVar:

NM_030957.4(ADAMTS10):c.141G>A (p.Val47=)

Gene: ADAMTS10 (ADAM metallopeptidase with thrombospondin type 1 motif 10; minus strand). Cytogenetic location: 19p13.2.
Variant type: single nucleotide variant.
Coding change: c.141G>A on transcript NM_030957.4 (MANE Select); coding-DNA position 141, G replaced by A.
Protein change: p.Val47=; no amino-acid change (valine 47 retained).
Molecular consequence: synonymous variant.
Genome position (GRCh38, 1-based): chr19:8,605,306, C>T on the plus strand (G>A on the coding strand, the complement: ADAMTS10 is on the minus strand). VCF-style: chr19-8605306-C-T. GRCh37 (hg19) VCF-style: chr19-8670191-C-T.
Other names: p.Val47=.
Identifiers: ClinVar variation 4684303 (VCV004684303.1).
Genomic context (GRCh38, chr19:8,605,306, plus strand): 5'-GCCGCGGCGCTGCCTCCGGGGAGGAGGTGGCGAGAAGGCCAGCAGTGCCCCGTTGTGGTC[C>T]ACGCGGGTGGGGAAGGCGATCTCATAGCTCTCCAGACTGGACAGGAACTCATCTGTGGGT-3'
Protein context (NP_112219.3, residues 37-57): ESYEIAFPTR[Val47=]DHNGALLAFS

ClinVar aggregate classification (germline): Likely benign (1 of 4 stars; one submission).

Submission:

Mayo Clinic Laboratories, Mayo Clinic
Classification: Likely benign. Last evaluated: 2025-04-11. Review status: criteria provided, single submitter. Criteria: ACMG Guidelines, 2015. Collection method: clinical testing. Allele origin: germline. Observed: 1 variant allele.
Comment: BP4, BP7, PM2_supporting